The following is an entry in ClinVar:

ClinVar aggregate classification (germline): Uncertain significance (1 of 4 stars; one submission).

Allele frequency attached by ClinVar (database versions not stated): ExAC 0.00002; TOPMed 0.00003; gnomAD 0.00002.
gnomAD v4.1: 84 of 1,614,100 alleles (0.0052%); highest among the groups gnomAD compares: Non-Finnish European, 0.007%; 1 homozygote.

Submission:

Labcorp Genetics (formerly Invitae), Labcorp
Classification: Uncertain significance. Last evaluated: 2021-10-27. Review status: criteria provided, single submitter. Criteria: Invitae Variant Classification Sherloc (09022015). Collection method: clinical testing. Allele origin: germline.
Comment: This sequence change replaces leucine, a(n) neutral and non-polar amino acid, with phenylalanine, a(n) neutral and non-polar amino acid, at codon 429 of the MCPH1 protein (p.Leu429Phe). This variant is present in population databases (rs199553451, gnomAD 0.006%). This variant has not been reported in the literature in individuals affected with MCPH1-related conditions. Algorithms developed to predict the effect of missense changes on protein structure and function are either unavailable or do not agree on the potential impact of this missense change (SIFT: "Not Available"; PolyPhen-2: "Probably Damaging"; Align-GVGD: "Not Available"). In summary, the available evidence is currently insufficient to determine the role of this variant in disease. Therefore, it has been classified as a Variant of Uncertain Significance.

NM_024596.5(MCPH1):c.1285C>T (p.Leu429Phe)

Gene: MCPH1 (microcephalin 1; plus strand). Cytogenetic location: 8p23.1.
Variant type: single nucleotide variant.
Coding change: c.1285C>T on transcript NM_024596.5 (MANE Select); coding-DNA position 1285, C replaced by T.
Protein change: p.Leu429Phe; replaces leucine 429 with phenylalanine.
Molecular consequence: missense variant. On other transcripts: non-coding transcript variant (1).
Genome position (GRCh38, 1-based): chr8:6,445,007, C>T. VCF-style: chr8-6445007-C-T. GRCh37 (hg19) VCF-style: chr8-6302528-C-T.
Other names: c.1285C>T, p.Leu429Phe (NM_001172574.2, NM_001322042.2, NM_001363979.1 and 1 more transcripts); c.1141C>T, p.Leu381Phe (NM_001172575.2); c.1279C>T, p.Leu427Phe (NM_001322043.2); c.1183C>T, p.Leu395Phe (NM_001322045.2); short protein forms L381F, L427F, L429F, L395F.
Identifiers: ClinVar variation 1378966 (VCV001378966.3), dbSNP rs199553451, ClinGen allele CA4610511.